The following is an entry in ClinVar:

NM_020911.2(PLXNA4):c.4057A>C (p.Lys1353Gln)

Gene: PLXNA4 (plexin A4; minus strand). Cytogenetic location: 7q32.3.
Variant type: single nucleotide variant.
Coding change: c.4057A>C on transcript NM_020911.2 (MANE Select); coding-DNA position 4057, A replaced by C.
Protein change: p.Lys1353Gln; replaces lysine 1353 with glutamine.
Molecular consequence: missense variant.
Genome position (GRCh38, 1-based): chr7:132,168,533, T>G on the plus strand (A>C on the coding strand, the complement: PLXNA4 is on the minus strand). VCF-style: chr7-132168533-T-G. GRCh37 (hg19) VCF-style: chr7-131853292-T-G.
Other names: c.4057A>C, p.Lys1353Gln (NM_001393897.1); short protein forms K1353Q.
Identifiers: ClinVar variation 3349946 (VCV003349946.1).

ClinVar aggregate classification (germline): Uncertain significance (0 of 4 stars; one submission).

Conditions:
PLXNA4-related disorder. Also called: PLXNA4-related condition.

Submission:

PreventionGenetics, part of Exact Sciences
Classification: Uncertain significance for PLXNA4-related condition. Last evaluated: 2024-03-07. Review status: no assertion criteria provided. Collection method: clinical testing. Allele origin: germline.
Comment: The PLXNA4 c.4057A>C variant is predicted to result in the amino acid substitution p.Lys1353Gln. To our knowledge, this variant has not been reported in the literature or in a large population database, indicating this variant is rare. At this time, the clinical significance of this variant is uncertain due to the absence of conclusive functional and genetic evidence.